The following is an entry in ClinVar:

NM_020987.5(ANK3):c.8813G>A (p.Gly2938Glu)

Gene: ANK3 (ankyrin 3; minus strand). Cytogenetic location: 10q21.2.
Variant type: single nucleotide variant.
Coding change: c.8813G>A on transcript NM_020987.5 (MANE Select); coding-DNA position 8813, G replaced by A.
Protein change: p.Gly2938Glu; replaces glycine 2938 with glutamic acid.
Molecular consequence: missense variant. On other transcripts: intron variant (4).
Genome position (GRCh38, 1-based): chr10:60,072,068, C>T on the plus strand (G>A on the coding strand, the complement: ANK3 is on the minus strand). VCF-style: chr10-60072068-C-T. GRCh37 (hg19) VCF-style: chr10-61831826-C-T.
Other names: c.4388-4059G>A (NM_001204403.2); c.4409-4059G>A (NM_001204404.2); c.4406-4059G>A (NM_001320874.2); c.1808-4059G>A (NM_001149.4); short protein forms G2938E.
Identifiers: ClinVar variation 2120268 (VCV002120268.4), dbSNP rs1383229842, ClinGen allele CA377004838.

ClinVar aggregate classification (germline): Uncertain significance (1 of 4 stars; one submission).

Allele frequency attached by ClinVar (database versions not stated): TOPMed below 0.00001.

Submission:

Labcorp Genetics (formerly Invitae), Labcorp
Classification: Uncertain significance. Last evaluated: 2022-10-05. Review status: criteria provided, single submitter. Criteria: Invitae Variant Classification Sherloc (09022015). Collection method: clinical testing. Allele origin: germline.
Comment: This sequence change replaces glycine, which is neutral and non-polar, with glutamic acid, which is acidic and polar, at codon 2938 of the ANK3 protein (p.Gly2938Glu). This variant is not present in population databases (gnomAD no frequency). This variant has not been reported in the literature in individuals affected with ANK3-related conditions. Advanced modeling of protein sequence and biophysical properties (such as structural, functional, and spatial information, amino acid conservation, physicochemical variation, residue mobility, and thermodynamic stability) performed at Invitae indicates that this missense variant is not expected to disrupt ANK3 protein function. In summary, the available evidence is currently insufficient to determine the role of this variant in disease. Therefore, it has been classified as a Variant of Uncertain Significance.